The following is an entry in ClinVar:

ClinVar aggregate classification (germline): Likely benign. Review status: criteria provided, multiple submitters, no conflicts (2 of 4 stars). 3 submissions from 3 submitters: Likely benign (2). 1 of the submissions does not count toward it. Last evaluated 2025-11-17.

Conditions:
DIS3L2-related disorder. Also called: DIS3L2-related condition.
Perlman syndrome (PRLMNS). Identifiers: Orphanet 2849, MedGen C0796113, MONDO:0009965, OMIM 267000.

Allele frequency attached by ClinVar (database versions not stated): TOPMed 0.00002; ExAC 0.00003; gnomAD 0.00003; gnomAD exomes 0.00004 and 0.00013.
gnomAD v4.1: 186 of 1,611,576 alleles (0.012%); highest among the groups gnomAD compares: Non-Finnish European, 0.015%; no homozygotes.

Submissions (3):

Labcorp Genetics (formerly Invitae), Labcorp
Classification: Likely benign for Perlman syndrome. Last evaluated: 2025-11-17. Review status: criteria provided, single submitter. Criteria: Invitae Variant Classification Sherloc (09022015). Collection method: clinical testing. Allele origin: germline.

Blueprint Genetics
Classification: Likely benign. Last evaluated: 2024-10-18. Review status: criteria provided, single submitter. Criteria: ACMG Guidelines, 2015. Collection method: clinical testing. Allele origin: germline.

PreventionGenetics, part of Exact Sciences
Classification: Likely benign for DIS3L2-related condition. Last evaluated: 2019-08-07. Review status: no assertion criteria provided. Collection method: clinical testing. Allele origin: germline. Not counted in ClinVar's aggregate classification.
Comment: This variant is classified as likely benign based on ACMG/AMP sequence variant interpretation guidelines (Richards et al. 2015 PMID: 25741868, with internal and published modifications).

NM_152383.5(DIS3L2):c.1806C>T (p.Pro602=)

Gene: DIS3L2 (DIS3 like 3'-5' exoribonuclease 2; plus strand). Cytogenetic location: 2q37.1.
Variant type: single nucleotide variant.
Coding change: c.1806C>T on transcript NM_152383.5 (MANE Select); coding-DNA position 1806, C replaced by T.
Protein change: p.Pro602=; no amino-acid change (proline 602 retained).
Molecular consequence: synonymous variant. On other transcripts: intron variant (1).
Genome position (GRCh38, 1-based): chr2:232,329,879, C>T. VCF-style: chr2-232329879-C-T. GRCh37 (hg19) VCF-style: chr2-233194589-C-T.
Other names: c.1582-13466C>T (NM_001257281.2).
Identifiers: ClinVar variation 241964 (VCV000241964.14), dbSNP rs755655199, ClinGen allele CA2164276.